The following is an entry in ClinVar:

ClinVar aggregate classification (germline): Conflicting classifications of pathogenicity. Review status: criteria provided, conflicting classifications (1 of 4 stars). 3 submissions from 3 submitters: Uncertain significance (2); Likely benign (1). Last evaluated 2026-01-19.

Conditions:
Inborn genetic diseases. Identifiers: MedGen C0950123, MeSH D030342.
Fetal akinesia deformation sequence 1 (FADS1). Also called: Pena-Shokeir syndrome type I; Fetal akinesia sequence. Identifiers: Orphanet 994, MedGen C1276035, MONDO:0100101, OMIM 208150, HP:0001989.
Congenital myasthenic syndrome 10. Also called: Myasthenia, limb-girdle, familial. Identifiers: Orphanet 590, MedGen C1850792, MONDO:0009690, OMIM 254300.

Allele frequency attached by ClinVar (database versions not stated): ExAC 0.00029; ESP Exome Variant Server 0.00077; gnomAD 0.00090 and 0.00098; TOPMed 0.00098; 1000 Genomes Project 0.00140.
gnomAD v4.1: 259 of 1,612,776 alleles (0.016%); highest among the groups gnomAD compares: African/African-American, 0.31%; 1 homozygote.

Submissions (3):

Labcorp Genetics (formerly Invitae), Labcorp
Classification: Likely benign for Congenital myasthenic syndrome 10; Fetal akinesia deformation sequence 1. Last evaluated: 2026-01-19. Review status: criteria provided, single submitter. Criteria: Invitae Variant Classification Sherloc (09022015). Collection method: clinical testing. Allele origin: germline.

Ambry Genetics
Classification: Uncertain significance for Inborn genetic diseases. Last evaluated: 2025-02-03. Review status: criteria provided, single submitter. Criteria: Ambry Variant Classification Scheme 2023. Collection method: clinical testing. Allele origin: germline.

GeneDx
Classification: Uncertain significance. Last evaluated: 2019-11-05. Review status: criteria provided, single submitter. Criteria: GeneDx Variant Classification Process June 2021. Collection method: clinical testing. Allele origin: germline. Affected: yes.
Comment: In silico analysis, which includes protein predictors and evolutionary conservation, supports a deleterious effect; Reported previously as a likely non-pathogenic variant identified during routine screening of patients with a congenital myasthenic syndrome; however, heterozygosity/homozygosity was not reported and detailed clinical information not available (Cossins et al., 2012); This variant is associated with the following publications: (PMID: 22661499)

NM_173660.5(DOK7):c.816C>G (p.His272Gln)

Gene: DOK7 (docking protein 7; plus strand). Cytogenetic location: 4p16.3.
Variant type: single nucleotide variant.
Coding change: c.816C>G on transcript NM_173660.5 (MANE Select); coding-DNA position 816, C replaced by G.
Protein change: p.His272Gln; replaces histidine 272 with glutamine.
Molecular consequence: missense variant. On other transcripts: 3 prime UTR variant (1), 5 prime UTR variant (1).
Genome position (GRCh38, 1-based): chr4:3,492,802, C>G. VCF-style: chr4-3492802-C-G. GRCh37 (hg19) VCF-style: chr4-3494529-C-G.
Other names: c.*37C>G (NM_001164673.2); c.-115C>G (NM_001256896.2); c.816C>G, p.His272Gln (NM_001301071.2); c.384C>G, p.His128Gln (NM_001363811.2); short protein forms H128Q, H272Q.
Identifiers: ClinVar variation 1145360 (VCV001145360.11), dbSNP rs115614731, ClinGen allele CA2829236.
Genomic context (GRCh38, chr4:3,492,802, plus strand): 5'-TTCCTGCTCTGTCTCAGGGGATGACCGCAGCCTGTCCAGCTCATCCTCAGAGGCCAGTCA[C>G]TTGGACGTCAGCGCCAGCAGCCGGCTCACCGCATGGCCAGAGCAATCCTCGTCGTCAGCC-3'
Protein context (NP_775931.3, residues 262-282): SLSSSSSEAS[His272Gln]LDVSASSRLT